The following is an entry in ClinVar:

ClinVar aggregate classification (germline): Uncertain significance (1 of 4 stars; one submission).

Conditions:
Familial encephalopathy with neuroserpin inclusion bodies. Also called: ENCEPHALOPATHY, FAMILIAL, WITH COLLINS BODIES. Identifiers: Orphanet 85110, MedGen C1858680, MONDO:0011412, OMIM 604218.

Allele frequency attached by ClinVar (database versions not stated): gnomAD exomes below 0.00001.

Submission:

Labcorp Genetics (formerly Invitae), Labcorp
Classification: Uncertain significance for Familial encephalopathy with neuroserpin inclusion bodies. Last evaluated: 2021-05-19. Review status: criteria provided, single submitter. Criteria: Invitae Variant Classification Sherloc (09022015). Collection method: clinical testing. Allele origin: germline.
Comment: In summary, the available evidence is currently insufficient to determine the role of this variant in disease. Therefore, it has been classified as a Variant of Uncertain Significance. This sequence change replaces leucine with serine at codon 51 of the SERPINI1 protein (p.Leu51Ser). The leucine residue is highly conserved and there is a large physicochemical difference between leucine and serine. This variant is not present in population databases (ExAC no frequency). This variant has not been reported in the literature in individuals with SERPINI1-related conditions. Algorithms developed to predict the effect of missense changes on protein structure and function (SIFT, PolyPhen-2, Align-GVGD) all suggest that this variant is likely to be disruptive, but these predictions have not been confirmed by published functional studies and their clinical significance is uncertain.

NM_001122752.2(SERPINI1):c.152T>C (p.Leu51Ser)

Gene: SERPINI1 (serpin family I member 1; plus strand). Cytogenetic location: 3q26.1.
Variant type: single nucleotide variant.
Coding change: c.152T>C on transcript NM_001122752.2 (MANE Select); coding-DNA position 152, T replaced by C.
Protein change: p.Leu51Ser; replaces leucine 51 with serine.
Molecular consequence: missense variant.
Genome position (GRCh38, 1-based): chr3:167,789,280, T>C. VCF-style: chr3-167789280-T-C. GRCh37 (hg19) VCF-style: chr3-167507068-T-C.
Other names: c.152T>C, p.Leu51Ser (NM_005025.5); short protein forms L51S.
Identifiers: ClinVar variation 1488882 (VCV001488882.8), dbSNP rs2108556315, ClinGen allele CA355155648.